The following is an entry in ClinVar:

NM_000143.4(FH):c.1283_1294del (p.Val428_Thr431del)

Gene: FH (fumarate hydratase; minus strand). Cytogenetic location: 1q43.
Variant type: Deletion.
Coding change: c.1283_1294del on transcript NM_000143.4 (MANE Select); coding-DNA positions 1283 to 1294, 12 bases deleted (TTTCCTTTACAG).
Protein change: p.Val428_Thr431del.
Molecular consequence: inframe deletion. On other transcripts: inframe indel (1).
Genome position (GRCh38, 1-based): chr1:241,500,533-241,500,544, CTGTAAAGGAAA deleted on the plus strand (TTTCCTTTACAG on the coding strand, the reverse complement: FH is on the minus strand); deleting any 12 consecutive bases within chr1:241,500,533-241,500,547 gives the same sequence; the c. name uses the placement nearest the transcript's 3' end. VCF-style (leftmost placement, unchanged base first): chr1-241500532-TCTGTAAAGGAAA-T. GRCh37 (hg19) VCF-style: chr1-241663832-TCTGTAAAGGAAA-T.
Other names: c.1283_1294del12 (NM_000143.3).
Identifiers: ClinVar variation 1768349 (VCV001768349.2), dbSNP rs2527313025, ClinGen allele CA2580063454.

ClinVar aggregate classification (germline): Likely pathogenic (1 of 4 stars; one submission).

Conditions:
Hereditary cancer-predisposing syndrome. Also called: Hereditary Cancer Syndrome; Hereditary neoplastic syndrome; Neoplastic Syndromes, Hereditary; Tumor predisposition. Identifiers: Orphanet 140162, MedGen C0027672, MeSH D009386, MONDO:0015356.

Submission:

Ambry Genetics
Classification: Likely pathogenic for Hereditary cancer-predisposing syndrome. Last evaluated: 2017-08-21. Review status: criteria provided, single submitter. Criteria: Ambry Variant Classification Scheme 2023. Collection method: clinical testing. Allele origin: germline.
Comment: The c.1283_1294del12 variant (also known as p.V428_T431del) is located in coding exon 9 of the FH gene. This variant results from an in-frame TTTCCTTTACAG deletion at nucleotide positions 1283 to 1294. This results in the deletion of a valine, serine, phenylalanine, and threonine at codons 428-431. This alteration has been seen in a family meeting diagnostic criteria for hereditary leiomyomatosis and renal cell cancer (HLRCC), and is predicted to be deleterious by internal structural analysis (Ambry internal data). These amino acid positions are well conserved in available vertebrate species. In addition, this alteration is predicted to be deleterious by in silico analysis (Choi Y et al., PLoS ONE 2012; 7(10):e46688). Based on the majority of available evidence to date, this variant is likely to be pathogenic.